The following is an entry in ClinVar:

NM_201384.3(PLEC):c.8969_8971dup (p.Arg2990_Val2991insGly)

Gene: PLEC (plectin; minus strand). Cytogenetic location: 8q24.3.
Variant type: Duplication.
Coding change: c.8969_8971dup on transcript NM_201384.3 (MANE Select); coding-DNA positions 8969 to 8971, 3 bases duplicated (GGG; older notation c.8969_8971dupGGG).
Protein change: p.Arg2990_Val2991insGly.
Molecular consequence: inframe insertion.
Genome position (GRCh38, 1-based): chr8:143,920,850-143,920,852, CCC duplicated on the plus strand (GGG on the coding strand, the reverse complement: PLEC is on the minus strand). VCF-style (leftmost placement, unchanged base first): chr8-143920849-A-ACCC. GRCh37 (hg19) VCF-style: chr8-144995017-A-ACCC.
Other names: c.9050_9052dup, p.Arg3017_Val3018insGly (NM_000445.5); c.8927_8929dup, p.Arg2976_Val2977insGly (NM_201378.4); c.8903_8905dup, p.Arg2968_Val2969insGly (NM_201379.3); c.9380_9382dup, p.Arg3127_Val3128insGly (NM_201380.4); c.8873_8875dup, p.Arg2958_Val2959insGly (NM_201381.3); c.8969_8971dup, p.Arg2990_Val2991insGly (NM_201382.4); c.8981_8983dup, p.Arg2994_Val2995insGly (NM_201383.3).
Identifiers: ClinVar variation 1306113 (VCV001306113.2), dbSNP rs782018185, ClinGen allele CA4925125.
Genomic context (GRCh38, chr8:143,920,849, plus strand): 5'-GCTACGTCTCGCACAGAGCGCTCACCTCGCTGCAGCTGCTGGTAGAGCTCGCGGTCGATG[A>ACCC]CCCTGCTCTCCAGCAGCTCGGCGGCTGGCACCAGGCTGCGCAGGCCCTCAAAGCAAAGCC-3'

ClinVar aggregate classification (germline): Uncertain significance (1 of 4 stars; one submission).

Allele frequency attached by ClinVar (database versions not stated): gnomAD exomes below 0.00001; ExAC 0.00001.

Submission:

GeneDx
Classification: Uncertain significance. Last evaluated: 2020-01-08. Review status: criteria provided, single submitter. Criteria: GeneDx Variant Classification Process June 2021. Collection method: clinical testing. Allele origin: germline. Affected: yes.
Comment: Not observed at a significant frequency in large population cohorts (Lek et al., 2016); In-frame insertion of 1 amino acids in a non-repeat region; Has not been previously published as pathogenic or benign to our knowledge